The following is an entry in ClinVar:

ClinVar aggregate classification (germline): Uncertain significance. Review status: criteria provided, multiple submitters, no conflicts (2 of 4 stars). 7 submissions from 7 submitters: Uncertain significance (7). Last evaluated 2026-02-01.

Conditions:
Dilated cardiomyopathy 1G (CMD1G). Identifiers: Orphanet 154, MedGen C1858763, MONDO:0011400, OMIM 604145.
Autosomal recessive limb-girdle muscular dystrophy type 2J (LGMDR10). Also called: MUSCULAR DYSTROPHY, LIMB-GIRDLE, AUTOSOMAL RECESSIVE 10; Limb-girdle muscular dystrophy, type 2J. Identifiers: Orphanet 140922, MedGen C1837342, MONDO:0012127, OMIM 608807.
Myopathy, myofibrillar, 9, with early respiratory failure (MFM9). Also called: EDSTROM MYOPATHY; MYOPATHY, PROXIMAL, WITH EARLY RESPIRATORY MUSCLE INVOLVEMENT; Myopathy, distal, with early respiratory failure, autosomal dominant; Hereditary myopathy with early respiratory failure. Identifiers: Orphanet 178464, Orphanet 34521, MedGen C1863599, MONDO:0011362, OMIM 603689.
Early-onset myopathy with fatal cardiomyopathy (CMYO5). Also called: CONGENITAL MYOPATHY 5 WITH CARDIOMYOPATHY; Salih Myopathy. Identifiers: Orphanet 289377, MedGen C2673677, MONDO:0012714, OMIM 611705. Disease mechanism: loss of function.
Hypertrophic cardiomyopathy 9. Also called: Familial hypertrophic cardiomyopathy 9. Identifiers: MedGen C1861065, MONDO:0013412, OMIM 613765.
Tibial muscular dystrophy (TMD). Also called: UDD MYOPATHY; Tibial muscular dystrophy, tardive; Udd Distal Myopathy – Tibial Muscular Dystrophy. Identifiers: Orphanet 609, MedGen C1838244, MONDO:0010870, OMIM 600334.

Allele frequency attached by ClinVar (database versions not stated): ExAC 0.00004; gnomAD exomes 0.00004; gnomAD 0.00010 and 0.00011; TOPMed 0.00010.
gnomAD v4.1: 142 of 1,612,324 alleles (0.0088%); highest among the groups gnomAD compares: Non-Finnish European, 0.012%; no homozygotes.

Submissions (7):

Labcorp Genetics (formerly Invitae), Labcorp
Classification: Uncertain significance for Dilated cardiomyopathy 1G; Autosomal recessive limb-girdle muscular dystrophy type 2J. Last evaluated: 2026-02-01. Review status: criteria provided, single submitter. Criteria: Invitae Variant Classification Sherloc (09022015). Collection method: clinical testing. Allele origin: germline.
Comment: This sequence change replaces glutamic acid, which is acidic and polar, with glutamine, which is neutral and polar, at codon 10200 of the TTN protein (p.Glu10200Gln). This variant also falls at the last nucleotide of exon 110, which is part of the consensus splice site for this exon. This variant is present in population databases (rs779015756, gnomAD 0.01%). This variant has not been reported in the literature in individuals affected with TTN-related conditions. ClinVar contains an entry for this variant (Variation ID: 191998). Experimental studies and prediction algorithms are not available or were not evaluated, and the functional significance of this variant is currently unknown. Variants that disrupt the consensus splice site are a relatively common cause of aberrant splicing (PMID: 17576681, 9536098). Algorithms developed to predict the effect of sequence changes on RNA splicing suggest that this variant may disrupt the consensus splice site. This variant is located in the I band of TTN (PMID: 25589632). Non-truncating variants in this region may be clinically relevant, but have not been definitively shown to cause cardiomyopathy or neuromuscular disease (PMID: 27493940, 32778822). In summary, the available evidence is currently insufficient to determine the role of this variant in disease. Therefore, it has been classified as a Variant of Uncertain Significance.

GeneDx
Classification: Uncertain significance. Last evaluated: 2024-09-19. Review status: criteria provided, single submitter. Criteria: GeneDx Variant Classification Process June 2021. Collection method: clinical testing. Allele origin: germline. Affected: yes.
Comment: Has not been previously published as pathogenic or benign in association with a TTN-related disorder to our knowledge; Canonical splice site variant with an unclear effect on protein function in a gene for which loss of function is a known mechanism of disease, and both splice predictors and evolutionary conservation support a deleterious effect, although in the absence of functional evidence the actual effect of this sequence change is unknown.; This variant is associated with the following publications: (PMID: 23861362)

Revvity Omics, Revvity
Classification: Uncertain significance. Last evaluated: 2021-11-28. Review status: criteria provided, single submitter. Criteria: ACMG Guidelines, 2015. Collection method: clinical testing. Allele origin: germline.

Fulgent Genetics
Classification: Uncertain significance for Tibial muscular dystrophy; Myopathy, myofibrillar, 9, with early respiratory failure; Dilated cardiomyopathy 1G; Autosomal recessive limb-girdle muscular dystrophy type 2J; Early-onset myopathy with fatal cardiomyopathy; Hypertrophic cardiomyopathy 9. Last evaluated: 2021-08-25. Review status: criteria provided, single submitter. Criteria: ACMG Guidelines, 2015. Collection method: clinical testing. Allele origin: unknown.

Athena Diagnostics
Classification: Uncertain significance. Last evaluated: 2018-02-06. Review status: criteria provided, single submitter. Criteria: Athena Diagnostics Criteria. Collection method: clinical testing. Allele origin: germline.

Laboratory for Molecular Medicine, Mass General Brigham Personalized Medicine
Classification: Uncertain significance. Last evaluated: 2015-09-16. Review status: criteria provided, single submitter. Criteria: LMM Criteria. Collection method: clinical testing. Allele origin: germline. Observed: 1 variant allele.
Comment: The p.Glu8956Gln variant in TTN has not been previously reported in individuals with cardiomyopathy, but has been identified in 5/66584 of European chromosomes by the Exome Aggregation Consortium (ExAC; dbSNP rs779015756). Computational prediction tools and conservation analysis do not p rovide strong support for or against an impact to the protein. Additionally, thi s variant is located in the last three bases of the exon, which is part of the 5 ? splice region. Computational tools do not suggest an impact to splicing. Howev er, this information is not predictive enough to rule pathogenicity. In summary, the clinical significance of the p.Glu8956Gln variant is uncertain.

Biesecker Lab/Clinical Genomics Section, National Institutes of Health
Classification: Uncertain significance. Last evaluated: 2013-06-24. Review status: criteria provided, single submitter. Criteria: Ng et al. (Circ Cardiovasc Genet. 2013). Collection method: research. Allele origin: unknown. Observed: 1 variant allele. Study: ClinSeq.
Comment: The study set was not selected for affection status in relation to any cancer. Pathogenicity categories were based on literature curation. See Pubmed ID:23861362 for details.

Medical sequencing

Literature cited by the submitters: PubMed 17576681 (cited by Labcorp Genetics (formerly Invitae), Labcorp); PubMed 9536098 (cited by Labcorp Genetics (formerly Invitae), Labcorp); PubMed 25589632 (cited by Labcorp Genetics (formerly Invitae), Labcorp); PubMed 27493940 (cited by Labcorp Genetics (formerly Invitae), Labcorp); PubMed 32778822 (cited by Labcorp Genetics (formerly Invitae), Labcorp); PubMed 23861362 (cited by Athena Diagnostics and Laboratory for Molecular Medicine, Mass General Brigham Personalized Medicine).

NM_001267550.2(TTN):c.30598G>C (p.Glu10200Gln)

Gene: TTN (titin; minus strand). Cytogenetic location: 2q31.2.
Variant type: single nucleotide variant.
Coding change: c.30598G>C on transcript NM_001267550.2 (MANE Select); coding-DNA position 30598, G replaced by C.
Protein change: p.Glu10200Gln; replaces glutamic acid 10200 with glutamine.
Molecular consequence: missense variant. On other transcripts: intron variant (3).
Genome position (GRCh38, 1-based): chr2:178,701,528, C>G on the plus strand (G>C on the coding strand, the complement: TTN is on the minus strand). VCF-style: chr2-178701528-C-G. GRCh37 (hg19) VCF-style: chr2-179566255-C-G.
Other names: c.26866G>C, p.Glu8956Gln (NM_133378.4); c.29647G>C, p.Glu9883Gln (NM_001256850.1); c.13282+36554G>C (NM_003319.4); c.13858+36554G>C (NM_133437.4); c.13657+36554G>C (NM_133432.3); short protein forms E10200Q, E8956Q, E9883Q.
Identifiers: ClinVar variation 191998 (VCV000191998.18), dbSNP rs779015756, ClinGen allele CA238063.